The following is an entry in ClinVar:

NM_006445.4(PRPF8):c.6901C>A (p.Pro2301Thr)

Gene: PRPF8 (pre-mRNA processing factor 8; minus strand). Cytogenetic location: 17p13.3.
Variant type: single nucleotide variant.
Coding change: c.6901C>A on transcript NM_006445.4 (MANE Select); coding-DNA position 6901, C replaced by A.
Protein change: p.Pro2301Thr; replaces proline 2301 with threonine.
Molecular consequence: missense variant.
Genome position (GRCh38, 1-based): chr17:1,650,909, G>T on the plus strand (C>A on the coding strand, the complement: PRPF8 is on the minus strand). VCF-style: chr17-1650909-G-T. GRCh37 (hg19) VCF-style: chr17-1554203-G-T.
Other names: short protein forms P2301T.
Identifiers: ClinVar variation 3358 (VCV000003358.8), dbSNP rs121434239, ClinGen allele CA252743.

ClinVar aggregate classification (germline): Likely pathogenic. Review status: criteria provided, single submitter (1 of 4 stars). 2 submissions from 2 submitters: Likely pathogenic (1). 1 of the submissions does not count toward it. Last evaluated 2019-11-12.

Conditions:
Retinitis pigmentosa 13 (RP13). Also called: PRPF 8-Related Retinitis Pigmentosa. Identifiers: Orphanet 791, MedGen C1838702, MONDO:0010806, OMIM 600059.

Allele frequency attached by ClinVar (database versions not stated): gnomAD exomes below 0.00001.
gnomAD v4.1: 1 of 1,614,162 alleles (0.000062%); highest among the groups gnomAD compares: Non-Finnish European, 0.000085%; no homozygotes.

Submissions (2):

Labcorp Genetics (formerly Invitae), Labcorp
Classification: Likely pathogenic. Last evaluated: 2019-11-12. Review status: criteria provided, single submitter. Criteria: Invitae Variant Classification Sherloc (09022015). Collection method: clinical testing. Allele origin: germline.
Comment: This variant disrupts the p.Pro2301 amino acid residue in PRPF8. Other variant(s) that disrupt this residue have been determined to be pathogenic (PMID: 17061239, 23950152). This suggests that this residue is clinically significant, and that variants that disrupt this residue are likely to be disease-causing. This variant has been reported to affect PRPF8 protein function (PMID: 28515276). In summary, the currently available evidence indicates that the variant is pathogenic, but additional data are needed to prove that conclusively. Therefore, this variant has been classified as Likely Pathogenic. This variant has been observed in individual(s) with autosomal dominant retinitis pigmentosa (PMID: 11468273). ClinVar contains an entry for this variant (Variation ID: 3358). This variant is not present in population databases (ExAC no frequency). This sequence change replaces proline with threonine at codon 2301 of the PRPF8 protein (p.Pro2301Thr). The proline residue is highly conserved and there is a small physicochemical difference between proline and threonine.

OMIM
Classification: Pathogenic for RETINITIS PIGMENTOSA 13. Last evaluated: 2001-07-15. Review status: no assertion criteria provided. Collection method: literature only. Allele origin: germline. Not counted in ClinVar's aggregate classification.

Literature cited by the submitters: PubMed 17061239 (cited by Labcorp Genetics (formerly Invitae), Labcorp); PubMed 23950152 (cited by Labcorp Genetics (formerly Invitae), Labcorp); PubMed 28515276 (cited by Labcorp Genetics (formerly Invitae), Labcorp); PubMed 11468273 (cited by Labcorp Genetics (formerly Invitae), Labcorp and OMIM).